The following is an entry in ClinVar:

NM_015629.4(PRPF31):c.544G>A (p.Glu182Lys)

Gene: PRPF31 (pre-mRNA processing factor 31; plus strand). Cytogenetic location: 19q13.42.
Variant type: single nucleotide variant.
Coding change: c.544G>A on transcript NM_015629.4 (MANE Select); coding-DNA position 544, G replaced by A.
Protein change: p.Glu182Lys; replaces glutamic acid 182 with lysine.
Molecular consequence: missense variant.
Genome position (GRCh38, 1-based): chr19:54,123,765, G>A. VCF-style: chr19-54123765-G-A. GRCh37 (hg19) VCF-style: chr19-54627144-G-A.
Other names: c.544G>A (NM_015629.3); short protein forms E182K.
Identifiers: ClinVar variation 4777086 (VCV004777086.3).
Genomic context (GRCh38, chr19:54,123,765, plus strand): 5'-GGCAGGCGGGAGACCCAGGAGGCTGGGCCCACCCGCCCCTGCAGGCAGCAGCTGTCGGAG[G>A]AGGAGCTGGAGCGGCTGGAGGAGGCCTGCGACATGGCGCTGGAGCTGAACGCCTCCAAGC-3'
Protein context (NP_056444.3, residues 172-192): STTQGQQLSE[Glu182Lys]ELERLEEACD

ClinVar aggregate classification (germline): Uncertain significance. Review status: criteria provided, multiple submitters, no conflicts (2 of 4 stars). 3 submissions from 3 submitters: Uncertain significance (3). Last evaluated 2026-06-03.

Conditions:
Inborn genetic diseases. Identifiers: MedGen C0950123, MeSH D030342.

gnomAD v4.1: 24 of 1,611,226 alleles (0.0015%); highest among the groups gnomAD compares: Non-Finnish European, 0.0014%; no homozygotes.

Submissions (3):

Ambry Genetics
Classification: Uncertain significance for Inborn genetic diseases. Last evaluated: 2026-06-03. Review status: criteria provided, single submitter. Criteria: Ambry Variant Classification Scheme 2023. Collection method: clinical testing. Allele origin: germline.

Labcorp Genetics (formerly Invitae), Labcorp
Classification: Uncertain significance. Last evaluated: 2025-03-30. Review status: criteria provided, single submitter. Criteria: Invitae Variant Classification Sherloc (09022015). Collection method: clinical testing. Allele origin: germline.
Comment: This sequence change replaces glutamic acid, which is acidic and polar, with lysine, which is basic and polar, at codon 182 of the PRPF31 protein (p.Glu182Lys). This variant is present in population databases (rs771586861, gnomAD 0.005%). This variant has not been reported in the literature in individuals affected with PRPF31-related conditions. An algorithm developed to predict the effect of missense changes on protein structure and function (PolyPhen-2) suggests that this variant is likely to be tolerated. In summary, the available evidence is currently insufficient to determine the role of this variant in disease. Therefore, it has been classified as a Variant of Uncertain Significance.

Blueprint Genetics
Classification: Uncertain significance. Last evaluated: 2021-12-30. Review status: criteria provided, single submitter. Criteria: ACMG Guidelines, 2015. Collection method: clinical testing. Allele origin: germline.